The following is an entry in ClinVar:

NM_001378454.1(ALMS1):c.1927G>T (p.Glu643Ter)

Gene: ALMS1 (ALMS1 centrosome and basal body associated protein; plus strand). Cytogenetic location: 2p13.1.
Variant type: single nucleotide variant.
Coding change: c.1927G>T on transcript NM_001378454.1 (MANE Select); coding-DNA position 1927, G replaced by T.
Protein change: p.Glu643Ter; replaces glutamic acid 643 with a stop codon.
Molecular consequence: nonsense.
Genome position (GRCh38, 1-based): chr2:73,448,454, G>T. VCF-style: chr2-73448454-G-T. GRCh37 (hg19) VCF-style: chr2-73675581-G-T.
Other names: c.1930G>T, p.Glu644Ter (NM_015120.4); short protein forms E643*, E644*.
Identifiers: ClinVar variation 4715340 (VCV004715340.1).

ClinVar aggregate classification (germline): Pathogenic (1 of 4 stars; one submission).

Conditions:
Alstrom syndrome (ALMS). Identifiers: Orphanet 64, MedGen C0268425, MONDO:0008763, OMIM 203800.

Submission:

Labcorp Genetics (formerly Invitae), Labcorp
Classification: Pathogenic for Alstrom syndrome. Last evaluated: 2025-05-18. Review status: criteria provided, single submitter. Criteria: Invitae Variant Classification Sherloc (09022015). Collection method: clinical testing. Allele origin: germline.
Comment: This sequence change creates a premature translational stop signal (p.Glu644*) in the ALMS1 gene. It is expected to result in an absent or disrupted protein product. Loss-of-function variants in ALMS1 are known to be pathogenic (PMID: 17594715). This variant is not present in population databases (gnomAD no frequency). This variant has not been reported in the literature in individuals affected with ALMS1-related conditions. For these reasons, this variant has been classified as Pathogenic.

Literature cited by the submitters: PubMed 17594715.